The following is an entry in ClinVar:

ClinVar aggregate classification (germline): Benign/Likely benign. Review status: criteria provided, multiple submitters, no conflicts (2 of 4 stars). 5 submissions from 5 submitters: Benign (1); Likely benign (4). Last evaluated 2025-08-13.

Conditions:
Seizures, benign familial infantile, 3 (BFIS3). Also called: Familial neonatal seizures; CONVULSIONS, BENIGN FAMILIAL INFANTILE, 3. Identifiers: Orphanet 140927, Orphanet 306, MedGen C1843140, MONDO:0011904, OMIM 607745.
Developmental and epileptic encephalopathy, 11 (DEE11). Also called: Early infantile epileptic encephalopathy 11. Identifiers: Orphanet 1934, MedGen C3150987, MONDO:0013388, OMIM 613721.

Allele frequency attached by ClinVar (database versions not stated): gnomAD exomes 0.00009 and 0.00021; TOPMed 0.00011; ExAC 0.00012; gnomAD 0.00017 and 0.00019.
gnomAD v4.1: 172 of 1,613,300 alleles (0.011%); highest among the groups gnomAD compares: Non-Finnish European, 0.0019%; no homozygotes.

Submissions (5):

Labcorp Genetics (formerly Invitae), Labcorp
Classification: Likely benign for Seizures, benign familial infantile, 3; Developmental and epileptic encephalopathy, 11. Last evaluated: 2025-08-13. Review status: criteria provided, single submitter. Criteria: Invitae Variant Classification Sherloc (09022015). Collection method: clinical testing. Allele origin: germline.

Blueprint Genetics
Classification: Likely benign. Last evaluated: 2023-07-26. Review status: criteria provided, single submitter. Criteria: ACMG Guidelines, 2015. Collection method: clinical testing. Allele origin: germline.

GeneDx
Classification: Likely benign. Last evaluated: 2021-11-02. Review status: criteria provided, single submitter. Criteria: GeneDx Variant Classification Process June 2021. Collection method: clinical testing. Allele origin: germline. Affected: yes.

CeGaT Center for Human Genetics Tuebingen
Classification: Likely benign. Last evaluated: 2020-03-01. Review status: criteria provided, single submitter. Criteria: CeGaT Center For Human Genetics Tuebingen Variant Classification Criteria Version 2. Collection method: clinical testing. Allele origin: germline. Affected: yes. Observed: 1 variant allele.

Illumina Laboratory Services, Illumina
Classification: Benign for Seizures, benign familial infantile, 3. Last evaluated: 2018-03-23. Review status: criteria provided, single submitter. Criteria: ICSL Variant Classification Criteria 13 December 2019. Collection method: clinical testing. Allele origin: germline.
Comment: This variant was observed in the ICSL laboratory as part of a predisposition screen in an ostensibly healthy population. It had not been previously curated by ICSL or reported in the Human Gene Mutation Database (HGMD: prior to June 1st, 2018), and was therefore a candidate for classification through an automated scoring system. Utilizing variant allele frequency, disease prevalence and penetrance estimates, and inheritance mode, an automated score was calculated to assess if this variant is too frequent to cause the disease. Based on the score and internal cut-off values, a variant classified as benign is not then subjected to further curation. The score for this variant resulted in a classification of benign for this disease.

NM_001040142.2(SCN2A):c.879T>G (p.Thr293=)

Gene: SCN2A (sodium voltage-gated channel alpha subunit 2; plus strand). Cytogenetic location: 2q24.3.
Variant type: single nucleotide variant.
Coding change: c.879T>G on transcript NM_001040142.2 (MANE Select); coding-DNA position 879, T replaced by G.
Protein change: p.Thr293=; no amino-acid change (threonine 293 retained).
Molecular consequence: synonymous variant.
Genome position (GRCh38, 1-based): chr2:165,310,504, T>G. VCF-style: chr2-165310504-T-G. GRCh37 (hg19) VCF-style: chr2-166167014-T-G.
Other names: c.879T>G, p.Thr293= (NM_001040143.2, NM_001371246.1, NM_001371247.1 and 1 more transcripts).
Identifiers: ClinVar variation 416519 (VCV000416519.56), dbSNP rs201685102, ClinGen allele CA1939709.